The following is an entry in ClinVar:

ClinVar aggregate classification (germline): Uncertain significance (1 of 4 stars; one submission).

Submission:

Ambry Genetics
Classification: Uncertain significance. Last evaluated: 2026-06-01. Review status: criteria provided, single submitter. Criteria: Ambry Variant Classification Scheme 2023. Collection method: clinical testing. Allele origin: germline.
Comment: The p.P657R variant (also known as c.1970C>G), located in coding exon 11 of the PALLD gene, results from a C to G substitution at nucleotide position 1970. The proline at codon 657 is replaced by arginine, an amino acid with dissimilar properties. This amino acid position is conserved. In addition, the in silico prediction for this alteration is inconclusive. Based on the available evidence, the clinical significance of this variant remains unclear.

NM_001166108.2(PALLD):c.*156C>G

Genes: CBR4 (carbonyl reductase 4; minus strand), PALLD (palladin, cytoskeletal associated protein; plus strand). Cytogenetic location: 4q32.3.
Variant type: single nucleotide variant.
Coding change: c.*156C>G on transcript NM_001166108.2 (MANE Select); 156 bases downstream of the stop codon, C replaced by G.
Molecular consequence: 3 prime UTR variant. On other transcripts: missense variant (4).
Genome position (GRCh38, 1-based): chr4:168,926,336, C>G. VCF-style: chr4-168926336-C-G. GRCh37 (hg19) VCF-style: chr4-169847487-C-G.
Other names: c.2285C>G, p.Pro762Arg (NM_001166109.2); c.1970C>G, p.Pro657Arg (NM_001166110.2); c.*156C>G (NM_001367567.1, NM_001367570.1, NM_016081.4); c.1361C>G, p.Pro454Arg (NM_001367568.1); c.1310C>G, p.Pro437Arg (NM_001367569.1); short protein forms P437R, P454R, P657R, P762R.
Identifiers: ClinVar variation 4861565 (VCV004861565.1).